The following is an entry in ClinVar:

NM_001244008.2(KIF1A):c.469C>G (p.Leu157Val)

Gene: KIF1A (kinesin family member 1A; minus strand). Cytogenetic location: 2q37.3.
Variant type: single nucleotide variant.
Coding change: c.469C>G on transcript NM_001244008.2 (MANE Select); coding-DNA position 469, C replaced by G.
Protein change: p.Leu157Val; replaces leucine 157 with valine.
Molecular consequence: missense variant.
Genome position (GRCh38, 1-based): chr2:240,786,474, G>C on the plus strand (C>G on the coding strand, the complement: KIF1A is on the minus strand). VCF-style: chr2-240786474-G-C. GRCh37 (hg19) VCF-style: chr2-241725891-G-C.
Other names: c.469C>G, p.Leu157Val (NM_001320705.2, NM_001330289.2, NM_001330290.2 and 20 more transcripts); short protein forms L157V.
Identifiers: ClinVar variation 3753716 (VCV003753716.2).

ClinVar aggregate classification (germline): Uncertain significance (1 of 4 stars; one submission).

Conditions:
Neuropathy, hereditary sensory, type 2C. Also called: KIF1A-Related HSAN2 (HSAN2C); Hereditary sensory and autonomic neuropathy type IIC. Identifiers: Orphanet 970, MedGen C3280168, MONDO:0013634, OMIM 614213.
Hereditary spastic paraplegia 30. Identifiers: Orphanet 101010, MedGen C5235139, MONDO:0012476.
Intellectual disability, autosomal dominant 9 (NESCAVS). Also called: KIF1A-Related Neurodevelopmental Disorder; NESCAV SYNDROME. Identifiers: Orphanet 662367, MedGen C5393830, MONDO:0013656, OMIM 614255.

Submission:

Labcorp Genetics (formerly Invitae), Labcorp
Classification: Uncertain significance for Hereditary spastic paraplegia 30; Neuropathy, hereditary sensory, type 2C; Intellectual disability, autosomal dominant 9. Last evaluated: 2024-02-23. Review status: criteria provided, single submitter. Criteria: Invitae Variant Classification Sherloc (09022015). Collection method: clinical testing. Allele origin: germline.
Comment: This sequence change replaces leucine, which is neutral and non-polar, with valine, which is neutral and non-polar, at codon 157 of the KIF1A protein (p.Leu157Val). This variant is not present in population databases (gnomAD no frequency). This variant has not been reported in the literature in individuals affected with KIF1A-related conditions. Advanced modeling of protein sequence and biophysical properties (such as structural, functional, and spatial information, amino acid conservation, physicochemical variation, residue mobility, and thermodynamic stability) performed at Invitae indicates that this missense variant is expected to disrupt KIF1A protein function with a positive predictive value of 95%. In summary, the available evidence is currently insufficient to determine the role of this variant in disease. Therefore, it has been classified as a Variant of Uncertain Significance.